The following is an entry in ClinVar:

ClinVar aggregate classification (germline): Likely pathogenic (1 of 4 stars; one submission).

Allele frequency attached by ClinVar (database versions not stated): gnomAD exomes below 0.00001; TOPMed below 0.00001; ExAC 0.00001.
gnomAD v4.1: 2 of 1,613,836 alleles (0.00012%); highest among the groups gnomAD compares: East Asian, 0.0045%; no homozygotes.

Submission:

Labcorp Genetics (formerly Invitae), Labcorp
Classification: Likely pathogenic. Last evaluated: 2024-07-09. Review status: criteria provided, single submitter. Criteria: Invitae Variant Classification Sherloc (09022015). Collection method: clinical testing. Allele origin: germline.
Comment: This sequence change affects a donor splice site in intron 8 of the EMC1 gene. It is expected to disrupt RNA splicing. Variants that disrupt the donor or acceptor splice site typically lead to a loss of protein function (PMID: 16199547), and loss-of-function variants in EMC1 are known to be pathogenic (PMID: 26572623, 26942288, 29271071). This variant is present in population databases (rs750255505, gnomAD 0.006%). This variant has not been reported in the literature in individuals affected with EMC1-related conditions. ClinVar contains an entry for this variant (Variation ID: 1500451). Algorithms developed to predict the effect of sequence changes on RNA splicing suggest that this variant may disrupt the consensus splice site. In summary, the currently available evidence indicates that the variant is pathogenic, but additional data are needed to prove that conclusively. Therefore, this variant has been classified as Likely Pathogenic.

Literature cited by the submitters: PubMed 16199547; PubMed 26572623; PubMed 26942288; PubMed 29271071.

NM_015047.3(EMC1):c.954+1G>A

Genes: EMC1 (ER membrane protein complex subunit 1; minus strand), EMC1-AS1 (EMC1 antisense RNA 1; plus strand). Cytogenetic location: 1p36.13.
Variant type: single nucleotide variant.
Coding change: c.954+1G>A on transcript NM_015047.3 (MANE Select); the canonical splice donor site of the intron after coding-DNA position 954, G replaced by A.
Molecular consequence: splice donor variant.
Genome position (GRCh38, 1-based): chr1:19,239,817, C>T on the plus strand (G>A on the coding strand, the complement: EMC1 is on the minus strand). VCF-style: chr1-19239817-C-T. GRCh37 (hg19) VCF-style: chr1-19566311-C-T.
Other names: c.888+1G>A (NM_001271429.2); c.954+1G>A (NM_001271427.2, NM_001375821.1, NM_001271428.2 and 1 more transcripts).
Identifiers: ClinVar variation 1500451 (VCV001500451.6), dbSNP rs750255505, ClinGen allele CA652747.